The following is an entry in ClinVar:

ClinVar aggregate classification (germline): Uncertain significance. Review status: criteria provided, multiple submitters, no conflicts (2 of 4 stars). 6 submissions from 6 submitters: Uncertain significance (6). Last evaluated 2025-06-17.

Conditions:
Juvenile polyposis syndrome (JPS). Identifiers: Orphanet 2929, MedGen C0345893, MONDO:0017380, OMIM 174900.
Hereditary cancer-predisposing syndrome. Also called: Hereditary neoplastic syndrome; Neoplastic Syndromes, Hereditary; Tumor predisposition; Hereditary Cancer Syndrome. Identifiers: Orphanet 140162, MedGen C0027672, MeSH D009386, MONDO:0015356.
Polyposis syndrome, hereditary mixed, 2. Identifiers: Orphanet 157794, MedGen C1864730, MONDO:0012405, OMIM 610069.

Allele frequency attached by ClinVar (database versions not stated): gnomAD 0.00001; TOPMed 0.00001.

Submissions (6):

Ambry Genetics
Classification: Uncertain significance for Hereditary cancer-predisposing syndrome. Last evaluated: 2025-06-17. Review status: criteria provided, single submitter. Criteria: Ambry Variant Classification Scheme 2023. Collection method: clinical testing. Allele origin: germline.
Comment: The p.Q353R variant (also known as c.1058A>G), located in coding exon 8 of the BMPR1A gene, results from an A to G substitution at nucleotide position 1058. The glutamine at codon 353 is replaced by arginine, an amino acid with highly similar properties. This variant was detected as heterozygous in individual(s) with no reported features of BMPR1A-related juvenile polyposis syndrome (Ambry internal data). This alteration has been previously identified in one individual from a North American cohort of individuals with early onset colon cancer (Pearlman R et al. JAMA Oncol, 2017 Apr;3:464-471). This amino acid position is highly conserved in available vertebrate species. In addition, the in silico prediction for this alteration is inconclusive. Since supporting evidence is limited at this time, the clinical significance of this alteration remains unclear.

Color Diagnostics, LLC DBA Color Health
Classification: Uncertain significance for Hereditary cancer-predisposing syndrome. Last evaluated: 2024-11-13. Review status: criteria provided, single submitter. Criteria: ACMG Guidelines, 2015. Collection method: clinical testing. Allele origin: germline.
Comment: This missense variant replaces glutamine with arginine at codon 353 of the BMPR1A protein. Computational prediction suggests that this variant may have deleterious impact on protein structure and function. To our knowledge, functional studies have not been reported for this variant. This variant has been reported in an individual affected with colorectal cancer (PMID: 27978560). This variant has not been identified in the general population by the Genome Aggregation Database (gnomAD). The available evidence is insufficient to determine the role of this variant in disease conclusively. Therefore, this variant is classified as a Variant of Uncertain Significance.

Labcorp Genetics (formerly Invitae), Labcorp
Classification: Uncertain significance for Juvenile polyposis syndrome. Last evaluated: 2024-07-22. Review status: criteria provided, single submitter. Criteria: Invitae Variant Classification Sherloc (09022015). Collection method: clinical testing. Allele origin: germline.
Comment: This sequence change replaces glutamine, which is neutral and polar, with arginine, which is basic and polar, at codon 353 of the BMPR1A protein (p.Gln353Arg). This variant is not present in population databases (gnomAD no frequency). This missense change has been observed in individual(s) with colon cancer (PMID: 27978560). ClinVar contains an entry for this variant (Variation ID: 460472). Advanced modeling of protein sequence and biophysical properties (such as structural, functional, and spatial information, amino acid conservation, physicochemical variation, residue mobility, and thermodynamic stability) performed at Invitae indicates that this missense variant is not expected to disrupt BMPR1A protein function with a negative predictive value of 80%. In summary, the available evidence is currently insufficient to determine the role of this variant in disease. Therefore, it has been classified as a Variant of Uncertain Significance.

Baylor Genetics
Classification: Uncertain significance for Polyposis syndrome, hereditary mixed, 2. Last evaluated: 2024-01-09. Review status: criteria provided, single submitter. Criteria: ACMG Guidelines, 2015. Collection method: clinical testing. Allele origin: unknown.

All of Us Research Program, National Institutes of Health
Classification: Uncertain significance for Juvenile polyposis syndrome. Last evaluated: 2023-11-30. Review status: criteria provided, single submitter. Criteria: ACMG Guidelines, 2015. Collection method: clinical testing. Allele origin: germline. Inheritance: Autosomal dominant inheritance. Observed: 2 variant alleles, 2 heterozygotes.
Comment: This study involves interpretation of variants in research participants for the purpose of population health screening. Participant phenotype was not available at the time of variant classification. Additional details can be found in publication PMID: 35346344, PMCID: PMC8962531

Quest Diagnostics Nichols Institute San Juan Capistrano
Classification: Uncertain significance. Last evaluated: 2021-01-05. Review status: criteria provided, single submitter. Criteria: Quest Diagnostics criteria. Collection method: clinical testing. Allele origin: unknown.

Literature cited by the submitters: PubMed 27978560 (cited by 4 submitters).

NM_004329.3(BMPR1A):c.1058A>G (p.Gln353Arg)

Gene: BMPR1A (bone morphogenetic protein receptor type 1A; plus strand). Cytogenetic location: 10q23.2.
Variant type: single nucleotide variant.
Coding change: c.1058A>G on transcript NM_004329.3 (MANE Select); coding-DNA position 1058, A replaced by G.
Protein change: p.Gln353Arg; replaces glutamine 353 with arginine.
Molecular consequence: missense variant.
Genome position (GRCh38, 1-based): chr10:86,919,361, A>G. VCF-style: chr10-86919361-A-G. GRCh37 (hg19) VCF-style: chr10-88679118-A-G.
Other names: short protein forms Q353R.
Identifiers: ClinVar variation 460472 (VCV000460472.22), dbSNP rs1405441693, ClinGen allele CA377460728.
Genomic context (GRCh38, chr10:86,919,361, plus strand): 5'-AATTGGCTTATTCAGCTGCCTGTGGTCTGTGCCACCTGCACACAGAAATTTATGGCACCC[A>G]AGGAAAGCCCGCAATTGCTCATCGAGACCTAAAGAGCAAAAACATCCTCATCAAGAAAAA-3'
Protein context (NP_004320.2, residues 343-363): CHLHTEIYGT[Gln353Arg]GKPAIAHRDL